The following is an entry in ClinVar:

ClinVar aggregate classification (germline): Uncertain significance (1 of 4 stars; one submission).

Conditions:
Danon disease. Also called: Glycogen Storage Disease Type IIb; ANTOPOL DISEASE; PSEUDOGLYCOGENOSIS II; GSD IIb; LYSOSOMAL GLYCOGEN STORAGE DISEASE WITHOUT ACID MALTASE DEFICIENCY. Identifiers: Orphanet 34587, MedGen C0878677, MONDO:0010281, OMIM 300257.

Submission:

Labcorp Genetics (formerly Invitae), Labcorp
Classification: Uncertain significance for Danon disease. Last evaluated: 2023-11-14. Review status: criteria provided, single submitter. Criteria: Invitae Variant Classification Sherloc (09022015). Collection method: clinical testing. Allele origin: germline.
Comment: This sequence change replaces aspartic acid, which is acidic and polar, with asparagine, which is neutral and polar, at codon 112 of the LAMP2 protein (p.Asp112Asn). This variant is not present in population databases (gnomAD no frequency). This variant has not been reported in the literature in individuals affected with LAMP2-related conditions. Advanced modeling of protein sequence and biophysical properties (such as structural, functional, and spatial information, amino acid conservation, physicochemical variation, residue mobility, and thermodynamic stability) performed at Invitae indicates that this missense variant is not expected to disrupt LAMP2 protein function with a negative predictive value of 80%. In summary, the available evidence is currently insufficient to determine the role of this variant in disease. Therefore, it has been classified as a Variant of Uncertain Significance.

NM_002294.3(LAMP2):c.334G>A (p.Asp112Asn)

Gene: LAMP2 (lysosome associated membrane protein 2; minus strand). Cytogenetic location: Xq24.
Variant type: single nucleotide variant.
Coding change: c.334G>A on transcript NM_002294.3 (MANE Select); coding-DNA position 334, G replaced by A.
Protein change: p.Asp112Asn; replaces aspartic acid 112 with asparagine.
Molecular consequence: missense variant.
Genome position (GRCh38, 1-based): chrX:120,455,420, C>T on the plus strand (G>A on the coding strand, the complement: LAMP2 is on the minus strand). VCF-style: chrX-120455420-C-T. GRCh37 (hg19) VCF-style: chrX-119589275-C-T.
Other names: c.334G>A, p.Asp112Asn (NM_001122606.1, NM_013995.2); short protein forms D112N.
Identifiers: ClinVar variation 2695684 (VCV002695684.3), dbSNP rs1921044662, ClinGen allele CA414402960.